The following is an entry in ClinVar:

NM_004990.4(MARS1):c.1945A>G (p.Asn649Asp)

Gene: MARS1 (methionyl-tRNA synthetase 1; plus strand). Cytogenetic location: 12q13.3.
Variant type: single nucleotide variant.
Coding change: c.1945A>G on transcript NM_004990.4 (MANE Select); coding-DNA position 1945, A replaced by G.
Protein change: p.Asn649Asp; replaces asparagine 649 with aspartic acid.
Molecular consequence: missense variant.
Genome position (GRCh38, 1-based): chr12:57,512,942, A>G. VCF-style: chr12-57512942-A-G. GRCh37 (hg19) VCF-style: chr12-57906725-A-G.
Other names: short protein forms N649D.
Identifiers: ClinVar variation 655481 (VCV000655481.14), dbSNP rs748955220, ClinGen allele CA6650650.
Genomic context (GRCh38, chr12:57,512,942, plus strand): 5'-CAGGACAGTGCTTTCTCCTGGACGGACCTGCTGCTGAAGAATAATTCTGAGCTGCTTAAC[A>G]ACCTGGGCAACTTCATCAACAGGTAGGACTTGGTAAGGGGTCAGAGTTAGCAGTGAGCTG-3'
Protein context (NP_004981.2, residues 639-659): LLKNNSELLN[Asn649Asp]LGNFINRAGM

ClinVar aggregate classification (germline): Uncertain significance. Review status: criteria provided, multiple submitters, no conflicts (2 of 4 stars). 4 submissions from 4 submitters: Uncertain significance (4). Last evaluated 2025-02-18.

Conditions:
Severe early-onset pulmonary alveolar proteinosis due to MARS deficiency. Also called: PULMONARY ALVEOLAR PROTEINOSIS, REUNION ISLAND; Interstitial lung and liver disease. Identifiers: Orphanet 440427, MedGen C4225400, MONDO:0014206, OMIM 615486.
Charcot-Marie-Tooth disease axonal type 2U. Also called: CHARCOT-MARIE-TOOTH NEUROPATHY, TYPE 2U; CHARCOT-MARIE-TOOTH DISEASE, AXONAL, AUTOSOMAL DOMINANT, TYPE 2U. Identifiers: Orphanet 397735, MedGen C4084821, MONDO:0014566, OMIM 616280.
Charcot-Marie-Tooth disease. Also called: Charcot-Marie-Tooth Neuropathy; Charcot-Marie-Tooth Hereditary Neuropathy. Identifiers: Orphanet 166, MedGen C0007959, MONDO:0015626.

Allele frequency attached by ClinVar (database versions not stated): gnomAD 0.00003; ExAC 0.00004; gnomAD exomes 0.00004; TOPMed 0.00002.
gnomAD v4.1: 62 of 1,614,060 alleles (0.0038%); highest among the groups gnomAD compares: Non-Finnish European, 0.004%; no homozygotes.

Submissions (4):

Labcorp Genetics (formerly Invitae), Labcorp
Classification: Uncertain significance for Charcot-Marie-Tooth disease axonal type 2U; Severe early-onset pulmonary alveolar proteinosis due to MARS deficiency. Last evaluated: 2025-02-18. Review status: criteria provided, single submitter. Criteria: Invitae Variant Classification Sherloc (09022015). Collection method: clinical testing. Allele origin: germline.
Comment: This sequence change replaces asparagine, which is neutral and polar, with aspartic acid, which is acidic and polar, at codon 649 of the MARS protein (p.Asn649Asp). This variant is present in population databases (rs748955220, gnomAD 0.01%). This missense change has been observed in individual(s) with autosomal dominant Charcot-Marie-Tooth disease (PMID: 32376792). ClinVar contains an entry for this variant (Variation ID: 655481). An algorithm developed to predict the effect of missense changes on protein structure and function (PolyPhen-2) suggests that this variant is likely to be disruptive. In summary, the available evidence is currently insufficient to determine the role of this variant in disease. Therefore, it has been classified as a Variant of Uncertain Significance.

Women's Health and Genetics/Laboratory Corporation of America, LabCorp
Classification: Uncertain significance. Last evaluated: 2023-07-06. Review status: criteria provided, single submitter. Criteria: LabCorp Variant Classification Summary - May 2015. Collection method: clinical testing. Allele origin: germline.
Comment: Variant summary: MARS c.1945A>G (p.Asn649Asp) results in a conservative amino acid change located in the Methionyl/Leucyl tRNA synthetase domain (IPR015413) of the encoded protein sequence. Three of five in-silico tools predict a damaging effect of the variant on protein function. The variant allele was found at a frequency of 3.6e-05 in 251464 control chromosomes (gnomAD). The available data on variant occurrences in the general population are insufficient to allow any conclusion about variant significance. To our knowledge, c.1945A>G has not been reported in the literature in individuals affected with MARS1-Related Disorders and no experimental evidence demonstrating an impact on protein function has been reported. The following publication has been ascertained in the context of this evaluation (PMID: 32376792). Two submitters have cited clinical-significance assessments for this variant to ClinVar after 2014. All submitters classified the variant as uncertain significance. Based on the evidence outlined above, the variant was classified as uncertain significance.

Ambry Genetics
Classification: Uncertain significance. Last evaluated: 2023-01-10. Review status: criteria provided, single submitter. Criteria: Ambry Variant Classification Scheme 2023. Collection method: clinical testing. Allele origin: germline.

Molecular Genetics Laboratory, London Health Sciences Centre
Classification: Uncertain significance for Charcot-Marie-Tooth disease. Review status: criteria provided, single submitter. Criteria: ACMG Guidelines, 2015. Collection method: clinical testing. Allele origin: germline. Affected: yes.

Literature cited by the submitters: PubMed 32376792 (cited by 3 submitters).